The following is an entry in ClinVar:

ClinVar aggregate classification (germline): Uncertain significance (1 of 4 stars; one submission).

Conditions:
PMM2-congenital disorder of glycosylation. Also called: Congenital disorder of glycosylation, type Ia; PHOSPHOMANNOMUTASE 2 DEFICIENCY; CARBOHYDRATE-DEFICIENT GLYCOPROTEIN SYNDROME, TYPE Ia; CDG Ia; JAEKEN SYNDROME; PMM2-CDG. Identifiers: Orphanet 79318, MedGen C0349653, MONDO:0008907, OMIM 212065.

gnomAD v4.1: 5 of 1,610,784 alleles (0.00031%); highest among the groups gnomAD compares: Non-Finnish European, 0.00042%; no homozygotes.

Submission:

Myriad Genetics, Inc.
Classification: Uncertain significance for PMM2-congenital disorder of glycosylation. Last evaluated: 2025-11-06. Review status: criteria provided, single submitter. Criteria: Myriad Autosomal Dominant, Autosomal Recessive and X-Linked Classification Criteria (2023). Collection method: clinical testing. Allele origin: unknown.
Comment: NM_000303.2(PMM2):c.34G>A(D12N) is a missense variant classified as a variant of uncertain significance in the context of congenital disorder of glycosylation, PMM2-related. D12N has not been observed in cases with relevant disease. Relevant functional assessments of this variant are not available in the literature. D12N has been observed in referenced population frequency databases. In summary, there is insufficient evidence to classify NM_000303.2(PMM2):c.34G>A(D12N) as pathogenic or benign. Please note: this variant was assessed in the context of healthy population screening.

NM_000303.3(PMM2):c.34G>A (p.Asp12Asn)

Gene: PMM2 (phosphomannomutase 2; plus strand). Cytogenetic location: 16p13.2.
Variant type: single nucleotide variant.
Coding change: c.34G>A on transcript NM_000303.3 (MANE Select); coding-DNA position 34, G replaced by A.
Protein change: p.Asp12Asn; replaces aspartic acid 12 with asparagine.
Molecular consequence: missense variant.
Genome position (GRCh38, 1-based): chr16:8,797,916, G>A. VCF-style: chr16-8797916-G-A. GRCh37 (hg19) VCF-style: chr16-8891773-G-A.
Other names: short protein forms D12N.
Identifiers: ClinVar variation 5003430 (VCV005003430.1).